The following is an entry in ClinVar:

ClinVar aggregate classification (germline): Uncertain significance (1 of 4 stars; one submission).

Conditions:
Developmental and epileptic encephalopathy, 30 (DEE30). Also called: Epileptic encephalopathy, early infantile, 30. Identifiers: MedGen C4225360, MONDO:0014595, OMIM 616341.

Submission:

Labcorp Genetics (formerly Invitae), Labcorp
Classification: Uncertain significance for Developmental and epileptic encephalopathy, 30. Last evaluated: 2023-10-22. Review status: criteria provided, single submitter. Criteria: Invitae Variant Classification Sherloc (09022015). Collection method: clinical testing. Allele origin: germline.
Comment: This sequence change replaces glycine, which is neutral and non-polar, with alanine, which is neutral and non-polar, at codon 286 of the SIK1 protein (p.Gly286Ala). This variant is not present in population databases (gnomAD no frequency). This variant has not been reported in the literature in individuals affected with SIK1-related conditions. An algorithm developed to predict the effect of missense changes on protein structure and function (PolyPhen-2) suggests that this variant is likely to be tolerated. In summary, the available evidence is currently insufficient to determine the role of this variant in disease. Therefore, it has been classified as a Variant of Uncertain Significance.

NM_173354.5(SIK1):c.857G>C (p.Gly286Ala)

Gene: SIK1 (salt inducible kinase 1; minus strand). Cytogenetic location: 21q22.3.
Variant type: single nucleotide variant.
Coding change: c.857G>C on transcript NM_173354.5 (MANE Select); coding-DNA position 857, G replaced by C.
Protein change: p.Gly286Ala; replaces glycine 286 with alanine.
Molecular consequence: missense variant.
Genome position (GRCh38, 1-based): chr21:43,420,349, C>G on the plus strand (G>C on the coding strand, the complement: SIK1 is on the minus strand). VCF-style: chr21-43420349-C-G. GRCh37 (hg19) VCF-style: chr21-44840229-C-G.
Other names: short protein forms G286A.
Identifiers: ClinVar variation 2958457 (VCV002958457.3), dbSNP rs922570261, ClinGen allele CA321326858.
Genomic context (GRCh38, chr21:43,420,349, plus strand): 5'-TCATCGTAGTCGCCCAGGTTGGAGGTGTAGCTGTGTGCGGAGAAGGCGGGGCAGGCGGGT[C>G]CCGGCAAGCAGGGCTCAGCCCGCATCCACCGGTGCTGCCGGATCTGGGCGATGGTGATGC-3'
Protein context (NP_775490.2, residues 276-296): RWMRAEPCLP[Gly286Ala]PACPAFSAHS